The following is an entry in ClinVar:

NM_002547.3(OPHN1):c.1831G>A (p.Glu611Lys)

Gene: OPHN1 (oligophrenin 1; minus strand). Cytogenetic location: Xq12.
Variant type: single nucleotide variant.
Coding change: c.1831G>A on transcript NM_002547.3 (MANE Select); coding-DNA position 1831, G replaced by A.
Protein change: p.Glu611Lys; replaces glutamic acid 611 with lysine.
Molecular consequence: missense variant.
Genome position (GRCh38, 1-based): chrX:68,073,155, C>T on the plus strand (G>A on the coding strand, the complement: OPHN1 is on the minus strand). VCF-style: chrX-68073155-C-T. GRCh37 (hg19) VCF-style: chrX-67292997-C-T.
Other names: short protein forms E611K.
Identifiers: ClinVar variation 1780967 (VCV001780967.7), dbSNP rs778332586, ClinGen allele CA10436825.

ClinVar aggregate classification (germline): Conflicting classifications of pathogenicity. Review status: criteria provided, conflicting classifications (1 of 4 stars). 2 submissions from 2 submitters: Uncertain significance (1); Benign (1). Last evaluated 2022-07-25.

Conditions:
Inborn genetic diseases. Identifiers: MedGen C0950123, MeSH D030342.

Allele frequency attached by ClinVar (database versions not stated): gnomAD exomes 0.00001; ExAC 0.00004.
gnomAD v4.1: 19 of 1,204,973 alleles (0.0016%); highest among the groups gnomAD compares: African/African-American, 0.014%; no homozygotes.

Submissions (2):

Labcorp Genetics (formerly Invitae), Labcorp
Classification: Benign. Last evaluated: 2022-07-25. Review status: criteria provided, single submitter. Criteria: Invitae Variant Classification Sherloc (09022015). Collection method: clinical testing. Allele origin: germline.

Ambry Genetics
Classification: Uncertain significance for Inborn genetic diseases. Last evaluated: 2018-07-23. Review status: criteria provided, single submitter. Criteria: Ambry Variant Classification Scheme 2023. Collection method: clinical testing. Allele origin: germline.
Comment: The p.E611K variant (also known as c.1831G>A), located in coding exon 19 of the OPHN1 gene, results from a G to A substitution at nucleotide position 1831. The glutamic acid at codon 611 is replaced by lysine, an amino acid with similar properties. This amino acid position is well conserved in available vertebrate species; however, lysine is the reference amino acid in other vertebrate species. In addition, this alteration is predicted to be tolerated by in silico analysis. Since supporting evidence is limited at this time, the clinical significance of this alteration remains unclear.